The following is an entry in ClinVar:

ClinVar aggregate classification (germline): Uncertain significance (1 of 4 stars; one submission).

Submission:

Labcorp Genetics (formerly Invitae), Labcorp
Classification: Uncertain significance. Last evaluated: 2024-02-26. Review status: criteria provided, single submitter. Criteria: Invitae Variant Classification Sherloc (09022015). Collection method: clinical testing. Allele origin: germline.
Comment: This variant, c.59_61del, results in the deletion of 1 amino acid(s) of the TOP1MT protein (p.Pro20del), but otherwise preserves the integrity of the reading frame. This variant is not present in population databases (gnomAD no frequency). This variant has not been reported in the literature in individuals affected with TOP1MT-related conditions. ClinVar contains an entry for this variant (Variation ID: 1927333). Experimental studies and prediction algorithms are not available or were not evaluated, and the functional significance of this variant is currently unknown. In summary, the available evidence is currently insufficient to determine the role of this variant in disease. Therefore, it has been classified as a Variant of Uncertain Significance.

NM_052963.3(TOP1MT):c.59_61del (p.Pro20del)

Gene: TOP1MT (DNA topoisomerase I mitochondrial; minus strand). Cytogenetic location: 8q24.3.
Variant type: Deletion.
Coding change: c.59_61del on transcript NM_052963.3 (MANE Select); coding-DNA positions 59 to 61, 3 bases deleted (CCC; older notation c.59_61delCCC).
Protein change: p.Pro20del; deletes proline 20.
Molecular consequence: inframe deletion. On other transcripts: intron variant (2).
Genome position (GRCh38, 1-based): chr8:143,334,801-143,334,803, GGG deleted on the plus strand (CCC on the coding strand, the reverse complement: TOP1MT is on the minus strand); deleting any 3 consecutive bases within chr8:143,334,801-143,334,805 gives the same sequence; the c. name uses the placement nearest the transcript's 3' end. VCF-style (leftmost placement, unchanged base first): chr8-143334800-CGGG-C. GRCh37 (hg19) VCF-style: chr8-144416970-CGGG-C.
Other names: c.-172-3464_-172-3462del (NM_001258447.1, NM_001258446.1); short protein forms P20del.
Identifiers: ClinVar variation 1927333 (VCV001927333.5), dbSNP rs2537483375, ClinGen allele CA2580078622.
Genomic context (GRCh38, chr8:143,334,800, plus strand): 5'-CTGGCTCCACTGCCCTTCTGCGTCCTGCGCGAGCCCGGGACACCCCGGGAGGCCGGGCGG[CGGG>C]GGACCTCCCCGAGCAGCGTCAGAGCCGCCCGGAGCCGCAGCAGCCGCACCACGCGCATCT-3'